The following is an entry in ClinVar:

ClinVar aggregate classification (germline): Likely benign (1 of 4 stars; one submission).

Conditions:
Frank-Ter Haar syndrome. Also called: Borrone di Rocco Crovato syndrome; TER HAAR SYNDROME; MELNICK-NEEDLES SYNDROME, AUTOSOMAL RECESSIVE; BORRONE DERMATOCARDIOSKELETAL SYNDROME. Identifiers: Orphanet 1266, Orphanet 137834, MedGen C1855305, MONDO:0009579, OMIM 249420.

Allele frequency attached by ClinVar (database versions not stated): gnomAD 0.00034; TOPMed 0.00039; 1000 Genomes Project 30x 0.00141; 1000 Genomes Project 0.00180.
gnomAD v4.1: 178 of 1,231,700 alleles (0.014%); highest among the groups gnomAD compares: East Asian, 0.4%; 2 homozygotes.

Submission:

Illumina Laboratory Services, Illumina
Classification: Likely benign for Frank-Ter Haar syndrome. Last evaluated: 2018-01-13. Review status: criteria provided, single submitter. Criteria: ICSL Variant Classification Criteria 13 December 2019. Collection method: clinical testing. Allele origin: germline.
Comment: This variant was observed in the ICSL laboratory as part of a predisposition screen in an ostensibly healthy population. It had not been previously curated by ICSL or reported in the Human Gene Mutation Database (HGMD: prior to June 1st, 2018), and was therefore a candidate for classification through an automated scoring system. Utilizing variant allele frequency, disease prevalence and penetrance estimates, and inheritance mode, an automated score was calculated to assess if this variant is too frequent to cause the disease. Based on the score and internal cut-off values, a variant classified as likely benign is not then subjected to further curation. The score for this variant resulted in a classification of likely benign for this disease.

NM_001017995.3(SH3PXD2B):c.*2666G>T

Gene: SH3PXD2B (SH3 and PX domains 2B; minus strand). Cytogenetic location: 5q35.1.
Variant type: single nucleotide variant.
Coding change: c.*2666G>T on transcript NM_001017995.3 (MANE Select); 2666 bases downstream of the stop codon, G replaced by T.
Molecular consequence: 3 prime UTR variant. On other transcripts: intron variant (1).
Genome position (GRCh38, 1-based): chr5:172,335,703, C>A on the plus strand (G>T on the coding strand, the complement: SH3PXD2B is on the minus strand). VCF-style: chr5-172335703-C-A. GRCh37 (hg19) VCF-style: chr5-171762707-C-A.
Other names: c.1189-10323G>T (NM_001308175.2).
Identifiers: ClinVar variation 905619 (VCV000905619.4), dbSNP rs150647285, ClinGen allele CA132180212.